The following is an entry in ClinVar:

ClinVar aggregate classification (germline): Uncertain significance (1 of 4 stars; one submission).

Conditions:
Neurofibromatosis, type 1 (NF1). Also called: Peripheral type neurofibromatosis; VON RECKLINGHAUSEN DISEASE; Neurofibromatosis, type I; NEUROFIBROMATOSIS, TYPE I, SOMATIC. Identifiers: Orphanet 636, MedGen C0027831, MONDO:0018975, OMIM 162200. Disease mechanism: loss of function.

Submission:

Labcorp Genetics (formerly Invitae), Labcorp
Classification: Uncertain significance for Neurofibromatosis, type 1. Last evaluated: 2025-12-15. Review status: criteria provided, single submitter. Criteria: Invitae Variant Classification Sherloc (09022015). Collection method: clinical testing. Allele origin: germline.
Comment: This sequence change replaces lysine, which is basic and polar, with asparagine, which is neutral and polar, at codon 2547 of the NF1 protein (p.Lys2547Asn). This variant is not present in population databases (gnomAD no frequency). This variant has not been reported in the literature in individuals affected with NF1-related conditions. ClinVar contains an entry for this variant (Variation ID: 2698530). Invitae Evidence Modeling of protein sequence and biophysical properties (such as structural, functional, and spatial information, amino acid conservation, physicochemical variation, residue mobility, and thermodynamic stability) has been performed for this missense variant. However, the output from this modeling did not meet the statistical confidence thresholds required to predict the impact of this variant on NF1 protein function. In summary, the available evidence is currently insufficient to determine the role of this variant in disease. Therefore, it has been classified as a Variant of Uncertain Significance.

NM_001042492.3(NF1):c.7704A>C (p.Lys2568Asn)

Gene: NF1 (neurofibromin 1; plus strand). Cytogenetic location: 17q11.2.
Variant type: single nucleotide variant.
Coding change: c.7704A>C on transcript NM_001042492.3 (MANE Select); coding-DNA position 7704, A replaced by C.
Protein change: p.Lys2568Asn; replaces lysine 2568 with asparagine.
Molecular consequence: missense variant.
Genome position (GRCh38, 1-based): chr17:31,356,548, A>C. VCF-style: chr17-31356548-A-C. GRCh37 (hg19) VCF-style: chr17-29683566-A-C.
Other names: c.7641A>C, p.Lys2547Asn (NM_000267.4); short protein forms K2568N, K2547N.
Identifiers: ClinVar variation 2698530 (VCV002698530.3), dbSNP rs2508824322, ClinGen allele CA399018164.